The following is an entry in ClinVar:

NC_000004.11:g.(?_155665577)_(155668060_?)del

Gene: LRAT (lecithin retinol acyltransferase; plus strand). Cytogenetic location: 4q32.1.
Variant type: Deletion.
Identifiers: ClinVar variation 3246735 (VCV003246735.1).

ClinVar aggregate classification (germline): Pathogenic (1 of 4 stars; one submission).

Submission:

Labcorp Genetics (formerly Invitae), Labcorp
Classification: Pathogenic. Last evaluated: 2023-02-07. Review status: criteria provided, single submitter. Criteria: Invitae Variant Classification Sherloc (09022015). Collection method: clinical testing. Allele origin: unknown.
Comment: This variant results in the deletion of part of exon 2 (c.99_540+2042del) of the LRAT gene. While this variant is not anticipated to result in nonsense mediated decay, it likely alters RNA splicing and results in a disrupted protein product. This variant has not been reported in the literature in individuals affected with LRAT-related conditions. Variants that disrupt the consensus splice site are a relatively common cause of aberrant splicing (PMID: 17576681, 9536098). This variant disrupts a region of the LRAT protein in which other variant(s) (p.Arg55Gly) have been determined to be pathogenic (PMID: 30190494; Invitae). This suggests that this is a clinically significant region of the protein, and that variants that disrupt it are likely to be disease-causing. For these reasons, this variant has been classified as Pathogenic.

Literature cited by the submitters: PubMed 17576681; PubMed 9536098; PubMed 30190494.